The following is an entry in ClinVar:

ClinVar aggregate classification (germline): Uncertain significance (1 of 4 stars; one submission).

Allele frequency attached by ClinVar (database versions not stated): gnomAD exomes below 0.00001; TOPMed below 0.00001; gnomAD 0.00001.
gnomAD v4.1: 5 of 1,609,542 alleles (0.00031%); highest among the groups gnomAD compares: Non-Finnish European, 0.00034%; no homozygotes.

Submission:

Labcorp Genetics (formerly Invitae), Labcorp
Classification: Uncertain significance. Last evaluated: 2022-03-07. Review status: criteria provided, single submitter. Criteria: Invitae Variant Classification Sherloc (09022015). Collection method: clinical testing. Allele origin: germline.
Comment: This sequence change replaces serine, which is neutral and polar, with phenylalanine, which is neutral and non-polar, at codon 864 of the HPS3 protein (p.Ser864Phe). This variant is not present in population databases (gnomAD no frequency). This variant has not been reported in the literature in individuals affected with HPS3-related conditions. Algorithms developed to predict the effect of missense changes on protein structure and function are either unavailable or do not agree on the potential impact of this missense change (SIFT: "Deleterious"; PolyPhen-2: "Probably Damaging"; Align-GVGD: "Class C0"). In summary, the available evidence is currently insufficient to determine the role of this variant in disease. Therefore, it has been classified as a Variant of Uncertain Significance.

NM_032383.5(HPS3):c.2591C>T (p.Ser864Phe)

Genes: CP (ceruloplasmin; minus strand), HPS3 (HPS3 biogenesis of lysosomal organelles complex 2 subunit 1; plus strand). Cytogenetic location: 3q24.
Variant type: single nucleotide variant.
Coding change: c.2591C>T on transcript NM_032383.5 (MANE Select); coding-DNA position 2591, C replaced by T.
Protein change: p.Ser864Phe; replaces serine 864 with phenylalanine.
Molecular consequence: missense variant.
Genome position (GRCh38, 1-based): chr3:149,167,035, C>T. VCF-style: chr3-149167035-C-T. GRCh37 (hg19) VCF-style: chr3-148884822-C-T.
Other names: c.2096C>T, p.Ser699Phe (NM_001308258.2); short protein forms S699F, S864F.
Identifiers: ClinVar variation 1980490 (VCV001980490.1), dbSNP rs1178638282, ClinGen allele CA354925235.